The following is an entry in ClinVar:

NM_001384900.1(SEMA3D):c.1673C>T (p.Ala558Val)

Gene: SEMA3D (semaphorin 3D; minus strand). Cytogenetic location: 7q21.11.
Variant type: single nucleotide variant.
Coding change: c.1673C>T on transcript NM_001384900.1 (MANE Select); coding-DNA position 1673, C replaced by T.
Protein change: p.Ala558Val; replaces alanine 558 with valine.
Molecular consequence: missense variant.
Genome position (GRCh38, 1-based): chr7:85,015,089, G>A on the plus strand (C>T on the coding strand, the complement: SEMA3D is on the minus strand). VCF-style: chr7-85015089-G-A. GRCh37 (hg19) VCF-style: chr7-84644405-G-A.
Other names: c.1673C>T, p.Ala558Val (NM_001384901.1, NM_001384902.1, NM_001384903.1 and 1 more transcripts); short protein forms A558V.
Identifiers: ClinVar variation 4984265 (VCV004984265.1).

ClinVar aggregate classification (germline): Uncertain significance (1 of 4 stars; one submission).

Conditions:
SEMA3D-related disorder. Also called: SEMA3D-related condition.

gnomAD v4.1: 1 of 1,611,582 alleles (0.000062%); highest among the groups gnomAD compares: Non-Finnish European, 0.000085%; no homozygotes.

Submission:

PreventionGenetics, part of Exact Sciences
Classification: Uncertain significance for SEMA3D-related condition. Last evaluated: 2026-04-21. Review status: criteria provided, single submitter. Criteria: ACMG Guidelines, 2015. Collection method: clinical testing. Allele origin: germline.
Comment: The SEMA3D c.1673C>T variant is predicted to result in the amino acid substitution p.Ala558Val. To our knowledge, this variant has not been reported in the literature or in a large population database (gnomAD), indicating this variant is rare. At this time, the clinical significance of this variant is uncertain due to the absence of conclusive functional and genetic evidence.